The following is an entry in ClinVar:

NM_001211.6(BUB1B):c.1326G>T (p.Met442Ile)

Gene: BUB1B (BUB1 mitotic checkpoint serine/threonine kinase B; plus strand). Cytogenetic location: 15q15.1.
Variant type: single nucleotide variant.
Coding change: c.1326G>T on transcript NM_001211.6 (MANE Select); coding-DNA position 1326, G replaced by T.
Protein change: p.Met442Ile; replaces methionine 442 with isoleucine.
Molecular consequence: missense variant.
Genome position (GRCh38, 1-based): chr15:40,199,652, G>T. VCF-style: chr15-40199652-G-T. GRCh37 (hg19) VCF-style: chr15-40491853-G-T.
Other names: short protein forms M442I.
Identifiers: ClinVar variation 3221345 (VCV003221345.1), dbSNP rs1251235123, ClinGen allele CA391688725.
Genomic context (GRCh38, chr15:40,199,652, plus strand): 5'-TCAAGCAACTTTACTGTTTCTAGCCGAGCTATTGACCAGTGCAGAGAAGAGAGCAGAAAT[G>T]CAGAAACAGATTGAAGAGATGGAGAAGAAGCTAAAAGAAATCCAAACTACTCAGCAAGAA-3'
Protein context (NP_001202.5, residues 432-452): LLTSAEKRAE[Met442Ile]QKQIEEMEKK

ClinVar aggregate classification (germline): Uncertain significance (1 of 4 stars; one submission).

Conditions:
Inborn genetic diseases. Identifiers: MedGen C0950123, MeSH D030342.

Submission:

Ambry Genetics
Classification: Uncertain significance for Inborn genetic diseases. Last evaluated: 2023-10-13. Review status: criteria provided, single submitter. Criteria: Ambry Variant Classification Scheme 2023. Collection method: clinical testing. Allele origin: germline.
Comment: The p.M442I variant (also known as c.1326G>T), located in coding exon 10 of the BUB1B gene, results from a G to T substitution at nucleotide position 1326. The methionine at codon 442 is replaced by isoleucine, an amino acid with highly similar properties. This amino acid position is conserved. In addition, this alteration is predicted to be tolerated by in silico analysis. Since supporting evidence is limited at this time, the clinical significance of this alteration remains unclear.